The following is an entry in ClinVar:

NM_006593.4(TBR1):c.1361G>C (p.Gly454Ala)

Gene: TBR1 (T-box brain transcription factor 1; plus strand). Cytogenetic location: 2q24.2.
Variant type: single nucleotide variant.
Coding change: c.1361G>C on transcript NM_006593.4 (MANE Select); coding-DNA position 1361, G replaced by C.
Protein change: p.Gly454Ala; replaces glycine 454 with alanine.
Molecular consequence: missense variant.
Genome position (GRCh38, 1-based): chr2:161,423,539, G>C. VCF-style: chr2-161423539-G-C. GRCh37 (hg19) VCF-style: chr2-162280050-G-C.
Other names: short protein forms G454A.
Identifiers: ClinVar variation 4527841 (VCV004527841.2).

ClinVar aggregate classification (germline): Uncertain significance (1 of 4 stars; one submission).

Submission:

GeneDx
Classification: Uncertain significance. Last evaluated: 2026-01-28. Review status: criteria provided, single submitter. Criteria: GeneDx Variant Classification Process June 2021. Collection method: clinical testing. Allele origin: germline.
Comment: Not observed at significant frequency in large population cohorts (gnomAD); In silico analysis suggests that this missense variant does not alter protein structure/function; Has not been previously published as pathogenic or benign to our knowledge